The following is an entry in ClinVar:

ClinVar aggregate classification (germline): Benign. Review status: criteria provided, multiple submitters, no conflicts (2 of 4 stars). 4 submissions from 4 submitters: Benign (3). 1 of the submissions does not count toward it. Last evaluated 2020-01-07.

Conditions:
Dystonic disorder. Also called: Dystonia. Identifiers: MedGen C0013421, MONDO:0003441, HP:0001332.
GNAL-related disorder. Also called: GNAL-related condition.

Allele frequency attached by ClinVar (database versions not stated): gnomAD exomes 0.00268 and 0.00142; TOPMed 0.01821; ESP Exome Variant Server 0.01426; gnomAD 0.01733 and 0.01603; 1000 Genomes Project 0.01857; ExAC 0.01198.
gnomAD v4.1: 4,536 of 1,537,510 alleles (0.3%); highest among the groups gnomAD compares: African/African-American, 5.6%; 118 homozygotes.

Submissions (4):

Labcorp Genetics (formerly Invitae), Labcorp
Classification: Benign for Dystonic disorder. Last evaluated: 2020-01-07. Review status: criteria provided, single submitter. Criteria: Invitae Variant Classification Sherloc (09022015). Collection method: clinical testing. Allele origin: germline.

GeneDx
Classification: Benign. Last evaluated: 2018-10-09. Review status: criteria provided, single submitter. Criteria: GeneDx Variant Classification Process June 2021. Collection method: clinical testing. Allele origin: germline. Affected: yes.

Breakthrough Genomics
Classification: Benign. Review status: criteria provided, single submitter. Criteria: ACMG Guidelines, 2015. Collection method: not provided. Allele origin: germline. Inheritance: Autosomal dominant inheritance. Affected: yes.

PreventionGenetics, part of Exact Sciences
Classification: Benign for GNAL-related condition. Last evaluated: 2019-10-22. Review status: no assertion criteria provided. Collection method: clinical testing. Allele origin: germline. Not counted in ClinVar's aggregate classification.
Comment: This variant is classified as benign based on ACMG/AMP sequence variant interpretation guidelines (Richards et al. 2015 PMID: 25741868, with internal and published modifications).

NM_182978.4(GNAL):c.261G>A (p.Glu87=)

Gene: GNAL (G protein subunit alpha L; plus strand). Cytogenetic location: 18p11.21.
Variant type: single nucleotide variant.
Coding change: c.261G>A on transcript NM_182978.4 (MANE Select); coding-DNA position 261, G replaced by A.
Protein change: p.Glu87=; no amino-acid change (glutamic acid 87 retained).
Molecular consequence: synonymous variant.
Genome position (GRCh38, 1-based): chr18:11,689,824, G>A. VCF-style: chr18-11689824-G-A. GRCh37 (hg19) VCF-style: chr18-11689823-G-A.
Identifiers: ClinVar variation 416013 (VCV000416013.13), dbSNP rs181443061, ClinGen allele CA8893791.